The following is an entry in ClinVar:

NM_025137.4(SPG11):c.2568G>A (p.Trp856Ter)

Gene: SPG11 (SPG11 vesicle trafficking associated, spatacsin; minus strand). Cytogenetic location: 15q21.1.
Variant type: single nucleotide variant.
Coding change: c.2568G>A on transcript NM_025137.4 (MANE Select); coding-DNA position 2568, G replaced by A.
Protein change: p.Trp856Ter; replaces tryptophan 856 with a stop codon.
Molecular consequence: nonsense.
Genome position (GRCh38, 1-based): chr15:44,621,811, C>T on the plus strand (G>A on the coding strand, the complement: SPG11 is on the minus strand). VCF-style: chr15-44621811-C-T. GRCh37 (hg19) VCF-style: chr15-44914009-C-T.
Other names: c.2568G>A, p.Trp856Ter (NM_001160227.2, NM_001411132.1); short protein forms W856*.
Identifiers: ClinVar variation 2829094 (VCV002829094.3), dbSNP rs2505553093, ClinGen allele CA392231507.

ClinVar aggregate classification (germline): Pathogenic (1 of 4 stars; one submission).

Conditions:
Hereditary spastic paraplegia 11. Also called: SPASTIC PARAPLEGIA, AUTOSOMAL RECESSIVE, COMPLICATED, WITH THIN CORPUS CALLOSUM; SPASTIC PARAPLEGIA, AUTOSOMAL RECESSIVE, WITH MENTAL IMPAIRMENT AND THIN CORPUS CALLOSUM; Spastic paraplegia, mental retardation and thin corpus callosum; Spastic Paraplegia 11; Nakamura Osame syndrome; Autosomal recessive hereditary spastic paraplegia, mental impairment, and thin corpus callosum. Identifiers: Orphanet 2822, MedGen C1858479, MONDO:0011445, OMIM 604360.

Allele frequency attached by ClinVar (database versions not stated): gnomAD exomes below 0.00001.
gnomAD v4.1: 2 of 1,613,958 alleles (0.00012%); highest among the groups gnomAD compares: Non-Finnish European, 0.00017%; no homozygotes.

Submission:

Labcorp Genetics (formerly Invitae), Labcorp
Classification: Pathogenic for Hereditary spastic paraplegia 11. Last evaluated: 2023-01-16. Review status: criteria provided, single submitter. Criteria: Invitae Variant Classification Sherloc (09022015). Collection method: clinical testing. Allele origin: germline.
Comment: For these reasons, this variant has been classified as Pathogenic. This variant has not been reported in the literature in individuals affected with SPG11-related conditions. This variant is not present in population databases (gnomAD no frequency). This sequence change creates a premature translational stop signal (p.Trp856*) in the SPG11 gene. It is expected to result in an absent or disrupted protein product. Loss-of-function variants in SPG11 are known to be pathogenic (PMID: 19105190, 20110243, 22154821, 26556829).

Literature cited by the submitters: PubMed 19105190; PubMed 20110243; PubMed 22154821; PubMed 26556829.